The following is an entry in ClinVar:

NM_018297.4(NGLY1):c.39del (p.Ser14fs)

Gene: NGLY1 (N-glycanase 1; minus strand). Cytogenetic location: 3p24.2.
Variant type: Deletion.
Coding change: c.39del on transcript NM_018297.4 (MANE Select); coding-DNA position 39, one base deleted (G; older notation c.39delG).
Protein change: p.Ser14fs; shifts the reading frame from serine 14.
Molecular consequence: frameshift variant. On other transcripts: intron variant (1).
Genome position (GRCh38, 1-based): chr3:25,783,352, C deleted on the plus strand (G on the coding strand, the reverse complement: NGLY1 is on the minus strand). VCF-style (leftmost placement, unchanged base first): chr3-25783351-AC-A. GRCh37 (hg19) VCF-style: chr3-25824842-AC-A.
Other names: c.39del, p.Ser14fs (NM_001145293.2, NM_001145295.2); c.6-4664del (NM_001145294.2); short protein forms S14fs.
Identifiers: ClinVar variation 521914 (VCV000521914.8), dbSNP rs1553666033, ClinGen allele CA658796251.

ClinVar aggregate classification (germline): Pathogenic/Likely pathogenic. Review status: criteria provided, multiple submitters, no conflicts (2 of 4 stars). 3 submissions from 3 submitters: Pathogenic (2); Likely pathogenic (1). Last evaluated 2024-01-26.

Conditions:
Congenital disorder of deglycosylation 1. Also called: NGLY1-Related Congenital Disorder of Deglycosylation; NGLY1-deficiency. Identifiers: Orphanet 404454, MedGen CN306977, MONDO:0800044, OMIM 615273.
Inborn genetic diseases. Identifiers: MedGen C0950123, MeSH D030342.
Congenital disorder of deglycosylation (CDDG). Identifiers: MedGen C3808991, MONDO:0031376.

Allele frequency attached by ClinVar (database versions not stated): gnomAD exomes below 0.00001.

Submissions (3):

Fulgent Genetics
Classification: Likely pathogenic for Congenital disorder of deglycosylation 1. Last evaluated: 2024-01-26. Review status: criteria provided, single submitter. Criteria: ACMG Guidelines, 2015. Collection method: clinical testing. Allele origin: germline.

Labcorp Genetics (formerly Invitae), Labcorp
Classification: Pathogenic for Congenital disorder of deglycosylation. Last evaluated: 2023-11-12. Review status: criteria provided, single submitter. Criteria: Invitae Variant Classification Sherloc (09022015). Collection method: clinical testing. Allele origin: germline.
Comment: This sequence change creates a premature translational stop signal (p.Ser14Profs*91) in the NGLY1 gene. It is expected to result in an absent or disrupted protein product. Loss-of-function variants in NGLY1 are known to be pathogenic (PMID: 24651605). This variant is not present in population databases (gnomAD no frequency). This variant has not been reported in the literature in individuals affected with NGLY1-related conditions. ClinVar contains an entry for this variant (Variation ID: 521914). For these reasons, this variant has been classified as Pathogenic.

Ambry Genetics
Classification: Pathogenic for Inborn genetic diseases. Last evaluated: 2017-07-13. Review status: criteria provided, single submitter. Criteria: Ambry exome assertion method (8-5-2015). Collection method: clinical testing. Allele origin: germline. Affected: yes. Observed: 1 variant allele.

Literature cited by the submitters: PubMed 24651605 (cited by Labcorp Genetics (formerly Invitae), Labcorp).